The following is an entry in ClinVar:

ClinVar aggregate classification (germline): Likely benign. Review status: criteria provided, single submitter (1 of 4 stars). 2 submissions from 2 submitters: Likely benign (1). 1 of the submissions does not count toward it. Last evaluated 2026-01-23.

Conditions:
NFE2L2-related disorder. Also called: NFE2L2-related condition.

Allele frequency attached by ClinVar (database versions not stated): TOPMed 0.00002; gnomAD 0.00003; gnomAD exomes 0.00006; ExAC 0.00012.
gnomAD v4.1: 86 of 1,614,160 alleles (0.0053%); highest among the groups gnomAD compares: South Asian, 0.081%; 1 homozygote.

Submissions (2):

Labcorp Genetics (formerly Invitae), Labcorp
Classification: Likely benign. Last evaluated: 2026-01-23. Review status: criteria provided, single submitter. Criteria: Invitae Variant Classification Sherloc (09022015). Collection method: clinical testing. Allele origin: germline.

PreventionGenetics, part of Exact Sciences
Classification: Likely benign for NFE2L2-related condition. Last evaluated: 2022-02-23. Review status: no assertion criteria provided. Collection method: clinical testing. Allele origin: germline. Not counted in ClinVar's aggregate classification.
Comment: This variant is classified as likely benign based on ACMG/AMP sequence variant interpretation guidelines (Richards et al. 2015 PMID: 25741868, with internal and published modifications).

NM_006164.5(NFE2L2):c.1166A>G (p.Lys389Arg)

Gene: NFE2L2 (NFE2 like bZIP transcription factor 2; minus strand). Cytogenetic location: 2q31.2.
Variant type: single nucleotide variant.
Coding change: c.1166A>G on transcript NM_006164.5 (MANE Select); coding-DNA position 1166, A replaced by G.
Protein change: p.Lys389Arg; replaces lysine 389 with arginine.
Molecular consequence: missense variant.
Genome position (GRCh38, 1-based): chr2:177,231,437, T>C on the plus strand (A>G on the coding strand, the complement: NFE2L2 is on the minus strand). VCF-style: chr2-177231437-T-C. GRCh37 (hg19) VCF-style: chr2-178096165-T-C.
Other names: c.1118A>G, p.Lys373Arg (NM_001145412.3, NM_001313900.1, NM_001313901.1); c.1097A>G, p.Lys366Arg (NM_001145413.3); c.1076A>G, p.Lys359Arg (NM_001313902.2); c.947A>G, p.Lys316Arg (NM_001313903.2); c.866A>G, p.Lys289Arg (NM_001313904.1); c.1166A>G (NM_006164.4); short protein forms K389R, K373R, K289R, K359R, K316R, K366R.
Identifiers: ClinVar variation 2187153 (VCV002187153.6), dbSNP rs200494292, ClinGen allele CA1979733.